The following is an entry in ClinVar:

NM_201599.3(ZMYM3):c.1279G>A (p.Val427Met)

Gene: ZMYM3 (zinc finger MYM-type containing 3; minus strand). Cytogenetic location: Xq13.1.
Variant type: single nucleotide variant.
Coding change: c.1279G>A on transcript NM_201599.3 (MANE Select); coding-DNA position 1279, G replaced by A.
Protein change: p.Val427Met; replaces valine 427 with methionine.
Molecular consequence: missense variant.
Genome position (GRCh38, 1-based): chrX:71,249,652, C>T on the plus strand (G>A on the coding strand, the complement: ZMYM3 is on the minus strand). VCF-style: chrX-71249652-C-T. GRCh37 (hg19) VCF-style: chrX-70469502-C-T.
Other names: c.1279G>A, p.Val427Met (NM_001171162.1, NM_001171163.1, NM_005096.3); short protein forms V427M.
Identifiers: ClinVar variation 3364516 (VCV003364516.1).

ClinVar aggregate classification (germline): Uncertain significance (1 of 4 stars; one submission).

Submission:

GeneDx
Classification: Uncertain significance. Last evaluated: 2023-11-19. Review status: criteria provided, single submitter. Criteria: GeneDx Variant Classification Process June 2021. Collection method: clinical testing. Allele origin: germline. Affected: yes.
Comment: Not observed at significant frequency in large population cohorts (gnomAD); In silico analysis supports that this missense variant does not alter protein structure/function; Has not been previously published as pathogenic or benign to our knowledge